The following is an entry in ClinVar:

ClinVar aggregate classification (germline): Uncertain significance (1 of 4 stars; one submission).

Conditions:
Welander distal myopathy (WDM). Also called: Gower's muscular dystrophy; MUSCULAR DYSTROPHY, DISTAL, LATE-ONSET, AUTOSOMAL DOMINANT; Welander distal myopathy, Swedish type; Distal myopathy, Swedish type. Identifiers: Orphanet 603, MedGen C0221054, MONDO:0011466, OMIM 604454.

Submission:

Labcorp Genetics (formerly Invitae), Labcorp
Classification: Uncertain significance for Welander distal myopathy. Last evaluated: 2023-05-22. Review status: criteria provided, single submitter. Criteria: Invitae Variant Classification Sherloc (09022015). Collection method: clinical testing. Allele origin: germline.
Comment: In summary, the available evidence is currently insufficient to determine the role of this variant in disease. Therefore, it has been classified as a Variant of Uncertain Significance. Algorithms developed to predict the effect of sequence changes on RNA splicing suggest that this variant may disrupt the consensus splice site. ClinVar contains an entry for this variant (Variation ID: 1412010). This variant has not been reported in the literature in individuals affected with TIA1-related conditions. This variant is not present in population databases (gnomAD no frequency). This sequence change affects a donor splice site in intron 8 of the TIA1 gene. It is expected to disrupt RNA splicing. Variants that disrupt the donor or acceptor splice site typically lead to a loss of protein function (PMID: 16199547), however the current clinical and genetic evidence is not sufficient to establish whether loss-of-function variants in TIA1 cause disease.

Literature cited by the submitters: PubMed 16199547.

NM_022173.4(TIA1):c.583+1G>A

Gene: TIA1 (TIA1 cytotoxic granule associated RNA binding protein; minus strand). Cytogenetic location: 2p13.3.
Variant type: single nucleotide variant.
Coding change: c.583+1G>A on transcript NM_022173.4 (MANE Select); the canonical splice donor site of the intron after coding-DNA position 583, G replaced by A.
Molecular consequence: splice donor variant. On other transcripts: non-coding transcript variant (14), missense variant (1).
Genome position (GRCh38, 1-based): chr2:70,216,885, C>T on the plus strand (G>A on the coding strand, the complement: TIA1 is on the minus strand). VCF-style: chr2-70216885-C-T. GRCh37 (hg19) VCF-style: chr2-70444017-C-T.
Other names: c.439+1G>A (NM_001351513.1); c.472+1G>A (NM_001351511.1); c.445+1G>A (NM_001351512.1); c.355+1G>A (NM_001351514.2); c.163+1G>A (NM_001351524.2, NM_001351517.2, NM_001351525.2); c.550+1G>A (NM_001351510.2, NM_022037.4); c.280+1G>A (NM_001351515.2); c.583+1G>A (NM_001351508.2, NM_001351516.2); and 2 more; short protein forms C195Y.
Identifiers: ClinVar variation 1412010 (VCV001412010.8), dbSNP rs2103953108, ClinGen allele CA347152789.